The following is an entry in ClinVar:

NM_001844.5(COL2A1):c.689C>G (p.Pro230Arg)

Gene: COL2A1 (collagen type II alpha 1 chain; minus strand). Cytogenetic location: 12q13.11.
Variant type: single nucleotide variant.
Coding change: c.689C>G on transcript NM_001844.5 (MANE Select); coding-DNA position 689, C replaced by G.
Protein change: p.Pro230Arg; replaces proline 230 with arginine.
Molecular consequence: missense variant.
Genome position (GRCh38, 1-based): chr12:47,995,729, G>C on the plus strand (C>G on the coding strand, the complement: COL2A1 is on the minus strand). VCF-style: chr12-47995729-G-C. GRCh37 (hg19) VCF-style: chr12-48389512-G-C.
Other names: c.482C>G, p.Pro161Arg (NM_033150.3); short protein forms P230R, P161R.
Identifiers: ClinVar variation 2850337 (VCV002850337.3), dbSNP rs2540174523, ClinGen allele CA384523673.
Genomic context (GRCh38, chr12:47,995,729, plus strand): 5'-AGGCTCCCCCAGAGAAGGGACAGGGCCGTGCTGGTACTCACAGAGACACCAGGTTCACCA[G>C]GTTCACCAGGATTGCCTTGAAATCCTTGAGGCCCCTAAAAAGTAAAATGAGGATACCAGG-3'
Protein context (NP_001835.3, residues 220-240): PQGFQGNPGE[Pro230Arg]GEPGVSGPMG

ClinVar aggregate classification (germline): Uncertain significance (1 of 4 stars; one submission).

Submission:

Labcorp Genetics (formerly Invitae), Labcorp
Classification: Uncertain significance. Last evaluated: 2025-11-17. Review status: criteria provided, single submitter. Criteria: Invitae Variant Classification Sherloc (09022015). Collection method: clinical testing. Allele origin: germline.
Comment: This sequence change replaces proline, which is neutral and non-polar, with arginine, which is basic and polar, at codon 230 of the COL2A1 protein (p.Pro230Arg). This variant is not present in population databases (gnomAD no frequency). This variant has not been reported in the literature in individuals affected with COL2A1-related conditions. ClinVar contains an entry for this variant (Variation ID: 2850337). Invitae Evidence Modeling of protein sequence and biophysical properties (such as structural, functional, and spatial information, amino acid conservation, physicochemical variation, residue mobility, and thermodynamic stability) indicates that this missense variant is not expected to disrupt COL2A1 protein function with a negative predictive value of 95%. In summary, the available evidence is currently insufficient to determine the role of this variant in disease. Therefore, it has been classified as a Variant of Uncertain Significance.